The following is an entry in ClinVar:

ClinVar aggregate classification (germline): Uncertain significance (1 of 4 stars; one submission).

Allele frequency attached by ClinVar (database versions not stated): gnomAD exomes below 0.00001.
gnomAD v4.1: 4 of 1,614,220 alleles (0.00025%); highest among the groups gnomAD compares: Non-Finnish European, 0.00017%; no homozygotes.

Submission:

Labcorp Genetics (formerly Invitae), Labcorp
Classification: Uncertain significance. Last evaluated: 2022-07-19. Review status: criteria provided, single submitter. Criteria: Invitae Variant Classification Sherloc (09022015). Collection method: clinical testing. Allele origin: germline.
Comment: This sequence change replaces threonine, which is neutral and polar, with alanine, which is neutral and non-polar, at codon 4747 of the FAT4 protein (p.Thr4747Ala). This variant is present in population databases (no rsID available, gnomAD 0.0009%). This variant has not been reported in the literature in individuals affected with FAT4-related conditions. Advanced modeling of protein sequence and biophysical properties (such as structural, functional, and spatial information, amino acid conservation, physicochemical variation, residue mobility, and thermodynamic stability) performed at Invitae indicates that this missense variant is not expected to disrupt FAT4 protein function. In summary, the available evidence is currently insufficient to determine the role of this variant in disease. Therefore, it has been classified as a Variant of Uncertain Significance.

NM_001291303.3(FAT4):c.14245A>G (p.Thr4749Ala)

Gene: FAT4 (FAT atypical cadherin 4; plus strand). Cytogenetic location: 4q28.1.
Variant type: single nucleotide variant.
Coding change: c.14245A>G on transcript NM_001291303.3 (MANE Select); coding-DNA position 14245, A replaced by G.
Protein change: p.Thr4749Ala; replaces threonine 4749 with alanine.
Molecular consequence: missense variant.
Genome position (GRCh38, 1-based): chr4:125,491,061, A>G. VCF-style: chr4-125491061-A-G. GRCh37 (hg19) VCF-style: chr4-126412216-A-G.
Other names: c.14242A>G, p.Thr4748Ala (NM_001291285.3); c.14239A>G, p.Thr4747Ala (NM_024582.6); short protein forms T4747A, T4749A, T4748A.
Identifiers: ClinVar variation 1942426 (VCV001942426.2), dbSNP rs1444592743, ClinGen allele CA358141452.